The following is an entry in ClinVar:

NM_017780.4(CHD7):c.3202-92G>T

Gene: CHD7 (chromodomain helicase DNA binding protein 7; plus strand). Cytogenetic location: 8q12.2.
Variant type: single nucleotide variant.
Coding change: c.3202-92G>T on transcript NM_017780.4 (MANE Select); 92 bases into the intron before coding-DNA position 3202, G replaced by T.
Molecular consequence: intron variant.
Genome position (GRCh38, 1-based): chr8:60,823,748, G>T. VCF-style: chr8-60823748-G-T. GRCh37 (hg19) VCF-style: chr8-61736307-G-T.
Other names: c.1717-38481G>T (NM_001316690.1).
Identifiers: ClinVar variation 4855221 (VCV004855221.1).

ClinVar aggregate classification (germline): Uncertain significance (1 of 4 stars; one submission).

Conditions:
CHD7-related CHARGE syndrome. Identifiers: MedGen CN380413, MONDO:1010178, OMIM 214800.

Submission:

3billion
Classification: Uncertain significance for CHD7-related CHARGE syndrome. Last evaluated: 2025-08-13. Review status: criteria provided, single submitter. Criteria: ACMG Guidelines, 2015. Collection method: clinical testing. Allele origin: germline. Affected: yes.
Comment: The variant is not observed in the gnomAD v4.1.0 dataset. Predicted Consequence/Location: Intron variant In silico tools predict the variant to alter splicing and produce an abnormal transcript [SpliceAI: 0.43 (>=0.2, moderate evidence for spliceogenicity)]. Therefore, this variant is classified as VUS according to the recommendation of ACMG/AMP guideline.